The following is an entry in ClinVar:

ClinVar aggregate classification (germline): Uncertain significance (1 of 4 stars; one submission).

Submission:

Ambry Genetics
Classification: Uncertain significance. Last evaluated: 2024-09-01. Review status: criteria provided, single submitter. Criteria: Ambry Variant Classification Scheme 2023. Collection method: clinical testing. Allele origin: germline.
Comment: The p.K1612I variant (also known as c.4835A>T), located in coding exon 37 of the PRKDC gene, results from an A to T substitution at nucleotide position 4835. The lysine at codon 1612 is replaced by isoleucine, an amino acid with dissimilar properties. This amino acid position is conserved. In addition, this alteration is predicted to be tolerated by in silico analysis. Based on the available evidence, the clinical significance of this variant remains unclear.

NM_006904.7(PRKDC):c.4835A>T (p.Lys1612Ile)

Gene: PRKDC (protein kinase, DNA-activated, catalytic subunit; minus strand). Cytogenetic location: 8q11.21.
Variant type: single nucleotide variant.
Coding change: c.4835A>T on transcript NM_006904.7 (MANE Select); coding-DNA position 4835, A replaced by T.
Protein change: p.Lys1612Ile; replaces lysine 1612 with isoleucine.
Molecular consequence: missense variant.
Genome position (GRCh38, 1-based): chr8:47,882,039, T>A on the plus strand (A>T on the coding strand, the complement: PRKDC is on the minus strand). VCF-style: chr8-47882039-T-A. GRCh37 (hg19) VCF-style: chr8-48794600-T-A.
Other names: c.4835A>T, p.Lys1612Ile (NM_001081640.2); short protein forms K1612I.
Identifiers: ClinVar variation 3425215 (VCV003425215.1).